The following is an entry in ClinVar:

NM_001082486.2(ACD):c.418C>G (p.Gln140Glu)

Gene: ACD (ACD shelterin complex subunit and telomerase recruitment factor; minus strand). Cytogenetic location: 16q22.1.
Variant type: single nucleotide variant.
Coding change: c.418C>G on transcript NM_001082486.2 (MANE Select); coding-DNA position 418, C replaced by G.
Protein change: p.Gln140Glu; replaces glutamine 140 with glutamic acid.
Molecular consequence: missense variant.
Genome position (GRCh38, 1-based): chr16:67,659,415, G>C on the plus strand (C>G on the coding strand, the complement: ACD is on the minus strand). VCF-style: chr16-67659415-G-C. GRCh37 (hg19) VCF-style: chr16-67693318-G-C.
Other names: c.418C>G, p.Gln140Glu (NM_001410884.1); c.409C>G, p.Gln137Glu (NM_022914.3); short protein forms Q140E, Q137E.
Identifiers: ClinVar variation 1755334 (VCV001755334.4), dbSNP rs1405050067, ClinGen allele CA396355001.

ClinVar aggregate classification (germline): Uncertain significance. Review status: criteria provided, multiple submitters, no conflicts (2 of 4 stars). 2 submissions from 2 submitters: Uncertain significance (2). Last evaluated 2024-06-11.

Conditions:
Dyskeratosis congenita, autosomal dominant 6 (DKCA6). Identifiers: Orphanet 3322, MedGen C4225284, MONDO:0014690, OMIM 616553.
Inborn genetic diseases. Identifiers: MedGen C0950123, MeSH D030342.

Allele frequency attached by ClinVar (database versions not stated): gnomAD exomes below 0.00001; TOPMed below 0.00001; gnomAD 0.00001.

Submissions (2):

Labcorp Genetics (formerly Invitae), Labcorp
Classification: Uncertain significance for Dyskeratosis congenita, autosomal dominant 6. Last evaluated: 2024-06-11. Review status: criteria provided, single submitter. Criteria: Invitae Variant Classification Sherloc (09022015). Collection method: clinical testing. Allele origin: germline.
Comment: This sequence change replaces glutamine, which is neutral and polar, with glutamic acid, which is acidic and polar, at codon 226 of the ACD protein (p.Gln226Glu). This variant is present in population databases (no rsID available, gnomAD 0.01%). This variant has not been reported in the literature in individuals affected with ACD-related conditions. ClinVar contains an entry for this variant (Variation ID: 1755334). Advanced modeling of protein sequence and biophysical properties (such as structural, functional, and spatial information, amino acid conservation, physicochemical variation, residue mobility, and thermodynamic stability) performed at Invitae indicates that this missense variant is not expected to disrupt ACD protein function with a negative predictive value of 80%. In summary, the available evidence is currently insufficient to determine the role of this variant in disease. Therefore, it has been classified as a Variant of Uncertain Significance.

Ambry Genetics
Classification: Uncertain significance for Inborn genetic diseases. Last evaluated: 2021-11-30. Review status: criteria provided, single submitter. Criteria: Ambry Variant Classification Scheme 2023. Collection method: clinical testing. Allele origin: germline.
Comment: The p.Q226E variant (also known as c.676C>G), located in coding exon 5 of the ACD gene, results from a C to G substitution at nucleotide position 676. The glutamine at codon 226 is replaced by glutamic acid, an amino acid with highly similar properties. This amino acid position is conserved. In addition, this alteration is predicted to be tolerated by in silico analysis. Since supporting evidence is limited at this time, the clinical significance of this alteration remains unclear.